The following is an entry in ClinVar:

NM_183357.3(ADCY5):c.3402C>T (p.Gly1134=)

Gene: ADCY5 (adenylate cyclase 5; minus strand). Cytogenetic location: 3q21.1.
Variant type: single nucleotide variant.
Coding change: c.3402C>T on transcript NM_183357.3 (MANE Select); coding-DNA position 3402, C replaced by T.
Protein change: p.Gly1134=; no amino-acid change (glycine 1134 retained).
Molecular consequence: synonymous variant.
Genome position (GRCh38, 1-based): chr3:123,289,880, G>A on the plus strand (C>T on the coding strand, the complement: ADCY5 is on the minus strand). VCF-style: chr3-123289880-G-A. GRCh37 (hg19) VCF-style: chr3-123008727-G-A.
Other names: c.2352C>T, p.Gly784= (NM_001199642.1); c.3477C>T, p.Gly1159= (NM_001378259.1).
Identifiers: ClinVar variation 724085 (VCV000724085.10), dbSNP rs377164650, ClinGen allele CA2576778.

ClinVar aggregate classification (germline): Likely benign. Review status: criteria provided, single submitter (1 of 4 stars). 2 submissions from 2 submitters: Likely benign (1). 1 of the submissions does not count toward it. Last evaluated 2024-10-29.

Conditions:
ADCY5-related disorder. Also called: ADCY5-related condition.

Allele frequency attached by ClinVar (database versions not stated): gnomAD exomes 0.00003 and 0.00006; ExAC 0.00005; ESP Exome Variant Server 0.00015; TOPMed 0.00016; gnomAD 0.00021; 1000 Genomes Project 30x 0.00047; 1000 Genomes Project 0.00060.
gnomAD v4.1: 75 of 1,614,230 alleles (0.0046%); highest among the groups gnomAD compares: African/African-American, 0.056%; no homozygotes.

Submissions (2):

Labcorp Genetics (formerly Invitae), Labcorp
Classification: Likely benign. Last evaluated: 2024-10-29. Review status: criteria provided, single submitter. Criteria: Invitae Variant Classification Sherloc (09022015). Collection method: clinical testing. Allele origin: germline.

PreventionGenetics, part of Exact Sciences
Classification: Likely benign for ADCY5-related condition. Last evaluated: 2019-04-16. Review status: no assertion criteria provided. Collection method: clinical testing. Allele origin: germline. Not counted in ClinVar's aggregate classification.
Comment: This variant is classified as likely benign based on ACMG/AMP sequence variant interpretation guidelines (Richards et al. 2015 PMID: 25741868, with internal and published modifications).